The following is an entry in ClinVar:

NM_152327.5(AK7):c.310G>T (p.Asp104Tyr)

Gene: AK7 (adenylate kinase 7; plus strand). Cytogenetic location: 14q32.2.
Variant type: single nucleotide variant.
Coding change: c.310G>T on transcript NM_152327.5 (MANE Select); coding-DNA position 310, G replaced by T.
Protein change: p.Asp104Tyr; replaces aspartic acid 104 with tyrosine.
Molecular consequence: missense variant.
Genome position (GRCh38, 1-based): chr14:96,404,772, G>T. VCF-style: chr14-96404772-G-T. GRCh37 (hg19) VCF-style: chr14-96871109-G-T.
Other names: c.310G>T, p.Asp104Tyr (NM_001350888.2, NM_001350890.2, NM_001350891.2 and 1 more transcripts); c.310G>T (NM_152327.2); short protein forms D104Y.
Identifiers: ClinVar variation 1413360 (VCV001413360.8), dbSNP rs144934623, ClinGen allele CA7337439.

ClinVar aggregate classification (germline): Uncertain significance. Review status: criteria provided, multiple submitters, no conflicts (2 of 4 stars). 2 submissions from 2 submitters: Uncertain significance (2). Last evaluated 2024-05-28.

Allele frequency attached by ClinVar (database versions not stated): gnomAD 0.00006 and 0.00007; TOPMed 0.00007; gnomAD exomes 0.00010 and 0.00014; ExAC 0.00015; ESP Exome Variant Server 0.00023.
gnomAD v4.1: 211 of 1,603,894 alleles (0.013%); highest among the groups gnomAD compares: Non-Finnish European, 0.017%; no homozygotes.

Submissions (2):

Ambry Genetics
Classification: Uncertain significance. Last evaluated: 2024-05-28. Review status: criteria provided, single submitter. Criteria: Ambry Variant Classification Scheme 2023. Collection method: clinical testing. Allele origin: germline.

Labcorp Genetics (formerly Invitae), Labcorp
Classification: Uncertain significance. Last evaluated: 2023-09-09. Review status: criteria provided, single submitter. Criteria: Invitae Variant Classification Sherloc (09022015). Collection method: clinical testing. Allele origin: germline.
Comment: This sequence change replaces aspartic acid, which is acidic and polar, with tyrosine, which is neutral and polar, at codon 104 of the AK7 protein (p.Asp104Tyr). This variant is present in population databases (rs144934623, gnomAD 0.02%). This variant has not been reported in the literature in individuals affected with AK7-related conditions. ClinVar contains an entry for this variant (Variation ID: 1413360). Advanced modeling of protein sequence and biophysical properties (such as structural, functional, and spatial information, amino acid conservation, physicochemical variation, residue mobility, and thermodynamic stability) performed at Invitae indicates that this missense variant is not expected to disrupt AK7 protein function. In summary, the available evidence is currently insufficient to determine the role of this variant in disease. Therefore, it has been classified as a Variant of Uncertain Significance.